The following is an entry in ClinVar:

NM_174936.4(PCSK9):c.615C>T (p.Phe205=)

Gene: PCSK9 (proprotein convertase subtilisin/kexin type 9; plus strand). Cytogenetic location: 1p32.3.
Variant type: single nucleotide variant.
Coding change: c.615C>T on transcript NM_174936.4 (MANE Select); coding-DNA position 615, C replaced by T.
Protein change: p.Phe205=; no amino-acid change (phenylalanine 205 retained).
Molecular consequence: synonymous variant. On other transcripts: non-coding transcript variant (8).
Genome position (GRCh38, 1-based): chr1:55,052,369, C>T. VCF-style: chr1-55052369-C-T. GRCh37 (hg19) VCF-style: chr1-55518042-C-T.
Other names: c.738C>T, p.Phe246= (NM_001407240.1); c.615C>T, p.Phe205= (NM_001407241.1, NM_001407242.1, NM_001407244.1 and 1 more transcripts); c.558C>T, p.Phe186= (NM_001407243.1); c.423C>T, p.Phe141= (NM_001407245.1); c.240C>T, p.Phe80= (NM_001407246.1).
Identifiers: ClinVar variation 922592 (VCV000922592.14), dbSNP rs759797943, ClinGen allele CA043436.

ClinVar aggregate classification (germline): Likely benign. Review status: criteria provided, multiple submitters, no conflicts (2 of 4 stars). 5 submissions from 5 submitters: Likely benign (5). Last evaluated 2024-08-30.

Conditions:
Cardiovascular phenotype. Identifiers: MedGen CN230736.
Familial hypercholesterolemia. Also called: Familial hypercholesterolemias; Familial hypercholesterolaemia. Identifiers: MedGen C0020445, MONDO:0005439.
Hypercholesterolemia, autosomal dominant, 3 (FHCL3). Also called: Familial hypercholesterolemia 3; Familial Hypercholesterolemia, Autosomal Dominant, 3; PCSK9-Related Familial Hypercholesterolemia, Autosomal Dominant. Identifiers: MedGen C1863551, MONDO:0011369, OMIM 603776.

Allele frequency attached by ClinVar (database versions not stated): ExAC 0.00001; gnomAD exomes 0.00001.
gnomAD v4.1: 12 of 1,613,910 alleles (0.00074%); highest among the groups gnomAD compares: South Asian, 0.0022%; no homozygotes.

Submissions (5):

Labcorp Genetics (formerly Invitae), Labcorp
Classification: Likely benign for Hypercholesterolemia, autosomal dominant, 3. Last evaluated: 2024-08-30. Review status: criteria provided, single submitter. Criteria: Invitae Variant Classification Sherloc (09022015). Collection method: clinical testing. Allele origin: germline.

Women's Health and Genetics/Laboratory Corporation of America, LabCorp
Classification: Likely benign. Last evaluated: 2024-07-27. Review status: criteria provided, single submitter. Criteria: LabCorp Variant Classification Summary - May 2015. Collection method: clinical testing. Allele origin: germline.

All of Us Research Program, National Institutes of Health
Classification: Likely benign for Hypercholesterolemia, autosomal dominant, 3. Last evaluated: 2023-12-01. Review status: criteria provided, single submitter. Criteria: ACMG Guidelines, 2015. Collection method: clinical testing. Allele origin: germline. Inheritance: Autosomal dominant inheritance. Observed: 2 variant alleles, 2 heterozygotes.
Comment: This study involves interpretation of variants in research participants for the purpose of population health screening. Participant phenotype was not available at the time of variant classification. Additional details can be found in publication PMID: 35346344, PMCID: PMC8962531

Ambry Genetics
Classification: Likely benign for Cardiovascular phenotype. Last evaluated: 2022-11-02. Review status: criteria provided, single submitter. Criteria: Ambry Variant Classification Scheme 2023. Collection method: clinical testing. Allele origin: germline.

Color Diagnostics, LLC DBA Color Health
Classification: Likely benign for Familial hypercholesterolemia. Last evaluated: 2018-11-11. Review status: criteria provided, single submitter. Criteria: ACMG Guidelines, 2015. Collection method: clinical testing. Allele origin: germline.